The following is an entry in ClinVar:

NM_001903.5(CTNNA1):c.697G>A (p.Asp233Asn)

Gene: CTNNA1 (catenin alpha 1; plus strand). Cytogenetic location: 5q31.2.
Variant type: single nucleotide variant.
Coding change: c.697G>A on transcript NM_001903.5 (MANE Select); coding-DNA position 697, G replaced by A.
Protein change: p.Asp233Asn; replaces aspartic acid 233 with asparagine.
Molecular consequence: missense variant.
Genome position (GRCh38, 1-based): chr5:138,824,638, G>A. VCF-style: chr5-138824638-G-A. GRCh37 (hg19) VCF-style: chr5-138160327-G-A.
Other names: c.697G>A, p.Asp233Asn (NM_001290307.3, NM_001323982.2, NM_001323983.1 and 3 more transcripts); c.388G>A, p.Asp130Asn (NM_001290309.3); c.328G>A, p.Asp110Asn (NM_001290310.3); c.697G>A (NM_001903.2); short protein forms D110N, D130N, D233N.
Identifiers: ClinVar variation 1719075 (VCV001719075.6), dbSNP rs2532424551, ClinGen allele CA361129758.
Genomic context (GRCh38, chr5:138,824,638, plus strand): 5'-ATCCTGCAGAAGAACGTTCCGATCCTCTATACTGCATCCCAGGCATGCCTACAGCACCCT[G>A]ATGTCGCAGCCTATAAGGCCAACAGGGACCTGATATACAAGCAGCTGCAGCAGGCGGTCA-3'
Protein context (NP_001894.2, residues 223-243): TASQACLQHP[Asp233Asn]VAAYKANRDL

ClinVar aggregate classification (germline): Uncertain significance. Review status: criteria provided, multiple submitters, no conflicts (2 of 4 stars). 2 submissions from 2 submitters: Uncertain significance (2). Last evaluated 2024-07-17.

Conditions:
Hereditary cancer-predisposing syndrome. Also called: Hereditary neoplastic syndrome; Neoplastic Syndromes, Hereditary; Hereditary Cancer Syndrome; Tumor predisposition. Identifiers: Orphanet 140162, MedGen C0027672, MeSH D009386, MONDO:0015356.

Allele frequency attached by ClinVar (database versions not stated): gnomAD exomes below 0.00001.
gnomAD v4.1: 2 of 1,614,246 alleles (0.00012%); highest among the groups gnomAD compares: Non-Finnish European, 0.00017%; no homozygotes.

Submissions (2):

Ambry Genetics
Classification: Uncertain significance for Hereditary cancer-predisposing syndrome. Last evaluated: 2024-07-17. Review status: criteria provided, single submitter. Criteria: Ambry Variant Classification Scheme 2023. Collection method: clinical testing. Allele origin: germline.
Comment: The p.D233N variant (also known as c.697G>A), located in coding exon 5 of the CTNNA1 gene, results from a G to A substitution at nucleotide position 697. The aspartic acid at codon 233 is replaced by asparagine, an amino acid with highly similar properties. This amino acid position is conserved. In addition, this alteration is predicted to be tolerated by in silico analysis. Based on the available evidence, the clinical significance of this variant remains unclear.

Labcorp Genetics (formerly Invitae), Labcorp
Classification: Uncertain significance. Last evaluated: 2024-04-16. Review status: criteria provided, single submitter. Criteria: Invitae Variant Classification Sherloc (09022015). Collection method: clinical testing. Allele origin: germline.
Comment: This sequence change replaces aspartic acid, which is acidic and polar, with asparagine, which is neutral and polar, at codon 233 of the CTNNA1 protein (p.Asp233Asn). This variant is not present in population databases (gnomAD no frequency). This variant has not been reported in the literature in individuals affected with CTNNA1-related conditions. ClinVar contains an entry for this variant (Variation ID: 1719075). Advanced modeling of protein sequence and biophysical properties (such as structural, functional, and spatial information, amino acid conservation, physicochemical variation, residue mobility, and thermodynamic stability) performed at Invitae indicates that this missense variant is not expected to disrupt CTNNA1 protein function with a negative predictive value of 80%. In summary, the available evidence is currently insufficient to determine the role of this variant in disease. Therefore, it has been classified as a Variant of Uncertain Significance.